The following is an entry in ClinVar:

NM_001164277.2(SLC37A4):c.497G>A (p.Arg166His)

Gene: SLC37A4 (solute carrier family 37 member 4; minus strand). Cytogenetic location: 11q23.3.
Variant type: single nucleotide variant.
Coding change: c.497G>A on transcript NM_001164277.2 (MANE Select); coding-DNA position 497, G replaced by A.
Protein change: p.Arg166His; replaces arginine 166 with histidine.
Molecular consequence: missense variant.
Genome position (GRCh38, 1-based): chr11:119,027,757, C>T on the plus strand (G>A on the coding strand, the complement: SLC37A4 is on the minus strand). VCF-style: chr11-119027757-C-T. GRCh37 (hg19) VCF-style: chr11-118898467-C-T.
Other names: c.497G>A, p.Arg166His (NM_001164278.2, NM_001164280.2, NM_001467.6); c.278G>A, p.Arg93His (NM_001164279.2); short protein forms R166H, R93H.
Identifiers: ClinVar variation 215178 (VCV000215178.24), dbSNP rs186476316, ClinGen allele CA323754.

ClinVar aggregate classification (germline): Conflicting classifications of pathogenicity. Review status: criteria provided, conflicting classifications (1 of 4 stars). 9 submissions from 8 submitters: Likely pathogenic (1); Uncertain significance (4); Benign (1); Likely benign (1). 2 of the submissions do not count toward it. Last evaluated 2026-02-12.

Conditions:
SLC37A4-related disorder. Also called: SLC37A4-related condition.
Congenital disorder of glycosylation, type IIw. Identifiers: MedGen C5561986, MONDO:0030437, OMIM 619525.
Glucose-6-phosphate transport defect (GSD1B). Also called: Glycogen Storage Disease Type Ib; GSD Ib. Identifiers: Orphanet 364, Orphanet 79259, MedGen C0268146, MONDO:0009288, OMIM 232220.
Phosphate transport defect (GSD1C). Also called: GLYCOGEN STORAGE DISEASE Ic; GSD Ic. Identifiers: Orphanet 364, Orphanet 79259, MedGen C0342749, OMIM 232240.

Allele frequency attached by ClinVar (database versions not stated): gnomAD exomes 0.00051; ExAC 0.00067; gnomAD 0.00076; TOPMed 0.00119; 1000 Genomes Project 0.00120; 1000 Genomes Project 30x 0.00125; ESP Exome Variant Server 0.00128.

Submissions (9):

Women's Health and Genetics/Laboratory Corporation of America, LabCorp
Classification: Likely benign. Last evaluated: 2026-02-12. Review status: criteria provided, single submitter. Criteria: LabCorp Variant Classification Summary - May 2015. Collection method: clinical testing. Allele origin: germline.
Comment: Variant summary: SLC37A4 c.497G>A (p.Arg166His) results in a non-conservative amino acid change in the encoded protein sequence. Algorithms developed to predict the effect of missense changes on protein structure and function are either unavailable or do not agree on the potential impact of this missense change. The variant allele was found at a frequency of 0.00051 in 246818 control chromosomes, predominantly at a frequency of 0.0032 within the African or African-American subpopulation in the gnomAD database, including 1 homozygote. The observed variant frequency within African or African-American control individuals in the gnomAD database exceeds the estimated maximal expected allele frequency for disease-causing variants in SLC37A4. To our knowledge, no occurrence of c.497G>A in individuals affected with SLC37A4-related conditions and no experimental evidence demonstrating its impact on protein function have been reported. ClinVar contains an entry for this variant (Variation ID: 215178). Based on the evidence outlined above, the variant was classified as likely benign.

Labcorp Genetics (formerly Invitae), Labcorp
Classification: Benign for Glucose-6-phosphate transport defect. Last evaluated: 2026-01-31. Review status: criteria provided, single submitter. Criteria: Invitae Variant Classification Sherloc (09022015). Collection method: clinical testing. Allele origin: germline.

Blueprint Genetics
Classification: Uncertain significance. Last evaluated: 2024-10-03. Review status: criteria provided, single submitter. Criteria: ACMG Guidelines, 2015. Collection method: clinical testing. Allele origin: germline.

Center for Genomics, Ann and Robert H. Lurie Children's Hospital of Chicago
Classification: Uncertain significance for Glucose-6-phosphate transport defect; Congenital disorder of glycosylation, type IIw; Phosphate transport defect. Last evaluated: 2021-03-30. Review status: criteria provided, single submitter. Criteria: ACMG Guidelines, 2015. Collection method: clinical testing. Allele origin: germline.
Comment: SLC37A4 NM_001164277.1 exon 5 p.Arg166His (c.497G>A): This variant has not been reported in the literature but is present in 0.3% (73/23994) of African alleles in the Genome Aggregation Database, including one homozygote. This variant is present in ClinVar (Variation ID:215178). Evolutionary conservation and computational predictive tools suggest that this variant may impact the protein. Of note, another variant at this residue (p.Arg166Leu) has been reported in association with disease (Glycogen storage disease 1B) (Kojima 2004 PMID:15059622, Chen 2008 PMID:18835800). In summary, data on this variant is insufficient for disease classification. Therefore, the clinical significance of this variant is uncertain.

Center for Genomics, Ann and Robert H. Lurie Children's Hospital of Chicago
Classification: Uncertain significance for Glucose-6-phosphate transport defect; Phosphate transport defect. Last evaluated: 2019-06-20. Review status: criteria provided, single submitter. Criteria: ACMG Guidelines, 2015. Collection method: clinical testing. Allele origin: germline.
Comment: the same text as in the submission from Center for Genomics, Ann and Robert H. Lurie Children's Hospital of Chicago above.

GeneDx
Classification: Likely pathogenic. Last evaluated: 2015-07-28. Review status: criteria provided, single submitter. Criteria: GeneDx Variant Classification (06012015). Collection method: clinical testing. Allele origin: germline. Affected: yes.
Comment: p.Arg166His (CGC>CAC): c.497 G>A in exon 5 of the SLC37A4 gene (NM_001164277.1) The R166H variant in the SLC37A4 gene is likely pathogenic. It has not been published as a mutation, nor has it been reported as a benign polymorphism to our knowledge. Mutations in the SLC37A4 gene are associated with the autosomal recessive disorders glycogen storage disease Ib and Ic The R166H variant is a conservative amino acid substitution, which is not likely to impact secondary protein structure as these residues share similar properties. This substitution occurs at a position that is highly conserved across species. A non-conservative missense change at the same position (R166L) has been reported previously in association with glycogen storage disease Ib (Chen et al., 2008). In silico analysis predicts this variant is probably damaging to the protein structure/function. Missense mutations in nearby residues (A156V, C176R) have also been reported in association with glycogen storage disease Ib, supporting the functional importance of this region of the protein. Therefore, this variant is a strong candidate for a pathogenic mutation, however the possibility that it is a benign variant cannot be excluded. The variant is found in LAPDH-MITOP,MITONUC-MITOP panel(s).

Eurofins Ntd Llc (ga)
Classification: Uncertain significance. Last evaluated: 2014-07-10. Review status: criteria provided, single submitter. Criteria: EGL Classification Definitions 2015. Collection method: clinical testing. Allele origin: germline. Observed: 1 variant allele, 1 heterozygote.

PreventionGenetics, part of Exact Sciences
Classification: Likely benign for SLC37A4-related condition. Last evaluated: 2022-06-14. Review status: no assertion criteria provided. Collection method: clinical testing. Allele origin: germline. Not counted in ClinVar's aggregate classification.
Comment: This variant is classified as likely benign based on ACMG/AMP sequence variant interpretation guidelines (Richards et al. 2015 PMID: 25741868, with internal and published modifications).

Natera, Inc.
Classification: Benign for Glycogen storage disease type Ib. Last evaluated: 2020-10-21. Review status: no assertion criteria provided. Collection method: clinical testing. Allele origin: germline. Not counted in ClinVar's aggregate classification.